The following is an entry in ClinVar:

ClinVar aggregate classification (germline): Uncertain significance (1 of 4 stars; one submission).

Conditions:
Desbuquois dysplasia 1 (DBQD1). Also called: DESBUQUOIS DYSPLASIA 1, KIM VARIANT; MICROMELIC DWARFISM WITH VERTEBRAL AND METAPHYSEAL ABNORMALITIES AND ADVANCED CARPOTARSAL OSSIFICATION. Identifiers: Orphanet 1425, MedGen C4012146, MONDO:0009629, OMIM 251450.

Allele frequency attached by ClinVar (database versions not stated): gnomAD exomes below 0.00001; TOPMed below 0.00001.
gnomAD v4.1: 2 of 1,614,216 alleles (0.00012%); highest among the groups gnomAD compares: Non-Finnish European, 0.00017%; no homozygotes.

Submission:

MVZ Medizinische Genetik Mainz
Classification: Uncertain significance for Desbuquois dysplasia 1. Last evaluated: 2021-10-06. Review status: criteria provided, single submitter. Criteria: UK Practice Guidelines For Variant Classification V4 01 2020. Collection method: clinical testing. Allele origin: germline. Inheritance: Autosomal recessive inheritance. Affected: yes. Observed: 1 variant allele.
Comment: ACMG Criteria: PM1, PM2_SUP, PM5_SUP, PP3 (ACMG Version 3); Compound Heterozygote

NM_001159773.2(CANT1):c.1186G>A (p.Glu396Lys)

Gene: CANT1 (calcium activated nucleotidase 1; minus strand). Cytogenetic location: 17q25.3.
Variant type: single nucleotide variant.
Coding change: c.1186G>A on transcript NM_001159773.2 (MANE Select); coding-DNA position 1186, G replaced by A.
Protein change: p.Glu396Lys; replaces glutamic acid 396 with lysine.
Molecular consequence: missense variant.
Genome position (GRCh38, 1-based): chr17:78,993,570, C>T on the plus strand (G>A on the coding strand, the complement: CANT1 is on the minus strand). VCF-style: chr17-78993570-C-T. GRCh37 (hg19) VCF-style: chr17-76989652-C-T.
Other names: c.1186G>A, p.Glu396Lys (NM_001159772.2, NM_138793.4); short protein forms E396K.
Identifiers: ClinVar variation 3235171 (VCV003235171.1), dbSNP rs1198106363.